The following is an entry in ClinVar:

ClinVar aggregate classification (germline): Uncertain significance (1 of 4 stars; one submission).

Allele frequency attached by ClinVar (database versions not stated): gnomAD exomes below 0.00001.
gnomAD v4.1: 1 of 1,493,196 alleles (0.000067%); no homozygotes.

Submission:

Labcorp Genetics (formerly Invitae), Labcorp
Classification: Uncertain significance. Last evaluated: 2022-06-29. Review status: criteria provided, single submitter. Criteria: Invitae Variant Classification Sherloc (09022015). Collection method: clinical testing. Allele origin: germline.
Comment: This sequence change falls in intron 12 of the CACNA1E gene. It does not directly change the encoded amino acid sequence of the CACNA1E protein. It affects a nucleotide within the consensus splice site. This variant is not present in population databases (gnomAD no frequency). This variant has not been reported in the literature in individuals affected with CACNA1E-related conditions. Variants that disrupt the consensus splice site are a relatively common cause of aberrant splicing (PMID: 17576681, 9536098). Algorithms developed to predict the effect of sequence changes on RNA splicing suggest that this variant is not likely to affect RNA splicing. In summary, the available evidence is currently insufficient to determine the role of this variant in disease. Therefore, it has been classified as a Variant of Uncertain Significance.

Literature cited by the submitters: PubMed 17576681; PubMed 9536098.

NM_001205293.3(CACNA1E):c.1638+6T>A

Gene: CACNA1E (calcium voltage-gated channel subunit alpha1 E; plus strand). Cytogenetic location: 1q25.3.
Variant type: single nucleotide variant.
Coding change: c.1638+6T>A on transcript NM_001205293.3 (MANE Select); 6 bases into the intron after coding-DNA position 1638, T replaced by A.
Molecular consequence: intron variant.
Genome position (GRCh38, 1-based): chr1:181,718,173, T>A. VCF-style: chr1-181718173-T-A. GRCh37 (hg19) VCF-style: chr1-181687309-T-A.
Other names: c.1638+6T>A (NM_000721.4, NM_001205294.2).
Identifiers: ClinVar variation 2005859 (VCV002005859.4), dbSNP rs2528522013, ClinGen allele CA2580061557.
Genomic context (GRCh38, chr1:181,718,173, plus strand): 5'-TGGCATGGGGCCTCGCCTTTATTTTCACTCTTCATTCAACTGCTTTGATTTTGGGGTAAG[T>A]CCTCGGAAGCCTGCCTCTGCTCCTGCTTCGTGTTGATATGCCCTGGTTTTAGATAAGCAG-3'